The following is an entry in ClinVar:

ClinVar aggregate classification (germline): Uncertain significance. Review status: criteria provided, multiple submitters, no conflicts (2 of 4 stars). 2 submissions from 2 submitters: Uncertain significance (2). Last evaluated 2025-05-21.

Conditions:
Familial cancer of breast. Also called: BREAST CANCER, FAMILIAL; Hereditary breast cancer; hereditary breast carcinoma. Identifiers: Orphanet 227535, MedGen C0346153, MONDO:0016419, OMIM 114480. Disease mechanism: loss of function.

gnomAD v4.1: 1 of 1,614,074 alleles (0.000062%); highest among the groups gnomAD compares: South Asian, 0.0011%; no homozygotes.

Submissions (2):

Labcorp Genetics (formerly Invitae), Labcorp
Classification: Uncertain significance for Familial cancer of breast. Last evaluated: 2025-05-21. Review status: criteria provided, single submitter. Criteria: Invitae Variant Classification Sherloc (09022015). Collection method: clinical testing. Allele origin: germline.
Comment: This sequence change replaces glutamic acid, which is acidic and polar, with lysine, which is basic and polar, at codon 161 of the CHEK2 protein (p.Glu161Lys). This variant is not present in population databases (gnomAD no frequency). This variant has not been reported in the literature in individuals affected with CHEK2-related conditions. ClinVar contains an entry for this variant (Variation ID: 3241163). An algorithm developed to predict the effect of missense changes on protein structure and function (PolyPhen-2) suggests that this variant is likely to be disruptive. In summary, the available evidence is currently insufficient to determine the role of this variant in disease. Therefore, it has been classified as a Variant of Uncertain Significance.

Baylor Genetics
Classification: Uncertain significance for Familial cancer of breast. Last evaluated: 2024-01-17. Review status: criteria provided, single submitter. Criteria: ACMG Guidelines, 2015. Collection method: clinical testing. Allele origin: unknown.

NM_007194.4(CHEK2):c.481G>A (p.Glu161Lys)

Gene: CHEK2 (checkpoint kinase 2; minus strand). Cytogenetic location: 22q12.1.
Variant type: single nucleotide variant.
Coding change: c.481G>A on transcript NM_007194.4 (MANE Select); coding-DNA position 481, G replaced by A.
Protein change: p.Glu161Lys; replaces glutamic acid 161 with lysine.
Molecular consequence: missense variant. On other transcripts: 5 prime UTR variant (2), intron variant (1).
Genome position (GRCh38, 1-based): chr22:28,725,088, C>T on the plus strand (G>A on the coding strand, the complement: CHEK2 is on the minus strand). VCF-style: chr22-28725088-C-T. GRCh37 (hg19) VCF-style: chr22-29121076-C-T.
Other names: c.610G>A, p.Glu204Lys (NM_001005735.3, NM_001438294.1); c.-297G>A (NM_001257387.3); c.-183G>A (NM_001437942.1); c.574G>A, p.Glu192Lys (NM_001438293.1, NM_001438295.1); c.481G>A, p.Glu161Lys (NM_145862.3); c.444+155G>A (NM_001349956.3); short protein forms E161K, E204K, E192K.
Identifiers: ClinVar variation 3241163 (VCV003241163.2), dbSNP rs1555926951.